The following is an entry in ClinVar:

NM_144670.6(A2ML1):c.4036T>A (p.Ser1346Thr)

Gene: A2ML1 (alpha-2-macroglobulin like 1; plus strand). Cytogenetic location: 12p13.31.
Variant type: single nucleotide variant.
Coding change: c.4036T>A on transcript NM_144670.6 (MANE Select); coding-DNA position 4036, T replaced by A.
Protein change: p.Ser1346Thr; replaces serine 1346 with threonine.
Molecular consequence: missense variant.
Genome position (GRCh38, 1-based): chr12:8,868,332, T>A. VCF-style: chr12-8868332-T-A. GRCh37 (hg19) VCF-style: chr12-9020928-T-A.
Other names: c.2563T>A, p.Ser855Thr (NM_001282424.3); short protein forms S855T, S1346T.
Identifiers: ClinVar variation 1435066 (VCV001435066.8), dbSNP rs1441229879, ClinGen allele CA383812767.
Genomic context (GRCh38, chr12:8,868,332, plus strand): 5'-ACCTTTAGTCTTAGTGTGGAAATAGGAAAAGCTAGATGTGAGCAACCGACTTCACCTCGA[T>A]CCTTGACTCTCACTATTCACACCAGGTGATTAAAGCTGGGGTGCTGGTGGCCGGCAGAGC-3'
Protein context (NP_653271.3, residues 1336-1356): ARCEQPTSPR[Ser1346Thr]LTLTIHTSYV

ClinVar aggregate classification (germline): Uncertain significance. Review status: criteria provided, multiple submitters, no conflicts (2 of 4 stars). 2 submissions from 2 submitters: Uncertain significance (2). Last evaluated 2022-10-30.

Allele frequency attached by ClinVar (database versions not stated): TOPMed 0.00001; gnomAD 0.00002.
gnomAD v4.1: 3 of 1,613,496 alleles (0.00019%); highest among the groups gnomAD compares: African/African-American, 0.004%; no homozygotes.

Submissions (2):

Ambry Genetics
Classification: Uncertain significance. Last evaluated: 2022-10-30. Review status: criteria provided, single submitter. Criteria: Ambry Variant Classification Scheme 2023. Collection method: clinical testing. Allele origin: germline.
Comment: The p.S1346T variant (also known as c.4036T>A), located in coding exon 31 of the A2ML1 gene, results from a T to A substitution at nucleotide position 4036. The serine at codon 1346 is replaced by threonine, an amino acid with similar properties. This amino acid position is conserved. In addition, this alteration is predicted to be tolerated by in silico analysis. Since supporting evidence is limited at this time, the clinical significance of this alteration remains unclear.

Labcorp Genetics (formerly Invitae), Labcorp
Classification: Uncertain significance. Last evaluated: 2022-03-22. Review status: criteria provided, single submitter. Criteria: Invitae Variant Classification Sherloc (09022015). Collection method: clinical testing. Allele origin: germline.
Comment: This sequence change replaces serine, which is neutral and polar, with threonine, which is neutral and polar, at codon 1346 of the A2ML1 protein (p.Ser1346Thr). This variant is present in population databases (no rsID available, gnomAD 0.01%). In summary, the available evidence is currently insufficient to determine the role of this variant in disease. Therefore, it has been classified as a Variant of Uncertain Significance. Algorithms developed to predict the effect of missense changes on protein structure and function (SIFT, PolyPhen-2, Align-GVGD) all suggest that this variant is likely to be tolerated. This variant has not been reported in the literature in individuals affected with A2ML1-related conditions.